The following is an entry in ClinVar:

ClinVar aggregate classification (germline): Uncertain significance. Review status: criteria provided, multiple submitters, no conflicts (2 of 4 stars). 2 submissions from 2 submitters: Uncertain significance (2). Last evaluated 2022-08-29.
ClinVar aggregate classification (oncogenicity): Uncertain significance (0 of 4 stars; one submission).

Conditions:
Hereditary cancer-predisposing syndrome. Also called: Neoplastic Syndromes, Hereditary; Tumor predisposition; Hereditary Cancer Syndrome; Hereditary neoplastic syndrome. Identifiers: Orphanet 140162, MedGen C0027672, MeSH D009386, MONDO:0015356.
Gastrointestinal stromal tumor. Also called: Gastrointestinal stromal tumor, somatic; Gastrointestinal stroma tumor. Identifiers: Orphanet 44890, MedGen C0238198, MeSH D046152, MONDO:0011719, OMIM 606764, HP:0100723.

Submissions (3):

Ambry Genetics
Classification: Uncertain significance for Hereditary cancer-predisposing syndrome. Last evaluated: 2022-08-29. Review status: criteria provided, single submitter. Criteria: Ambry Variant Classification Scheme 2023. Collection method: clinical testing. Allele origin: germline.
Comment: The p.E561K variant (also known as c.1681G>A), located in coding exon 11 of the KIT gene, results from a G to A substitution at nucleotide position 1681. The glutamic acid at codon 561 is replaced by lysine, an amino acid with similar properties. This amino acid position is well conserved in available vertebrate species. In addition, this alteration is predicted to be deleterious by in silico analysis. Since supporting evidence is limited at this time, the clinical significance of this alteration remains unclear.

Labcorp Genetics (formerly Invitae), Labcorp
Classification: Uncertain significance for Gastrointestinal stromal tumor. Last evaluated: 2020-10-21. Review status: criteria provided, single submitter. Criteria: Invitae Variant Classification Sherloc (09022015). Collection method: clinical testing. Allele origin: germline.
Comment: In summary, the available evidence is currently insufficient to determine the role of this variant in disease. Therefore, it has been classified as a Variant of Uncertain Significance. Algorithms developed to predict the effect of missense changes on protein structure and function (SIFT, PolyPhen-2, Align-GVGD) all suggest that this variant is likely to be disruptive, but these predictions have not been confirmed by published functional studies and their clinical significance is uncertain. This variant has not been reported in the literature in individuals with KIT-related conditions. This variant is not present in population databases (ExAC no frequency). This sequence change replaces glutamic acid with lysine at codon 561 of the KIT protein (p.Glu561Lys). The glutamic acid residue is highly conserved and there is a small physicochemical difference between glutamic acid and lysine.

National Institute of Cancer Research, National Health Research Institutes
Classification: Uncertain significance for Gastrointestinal stromal tumor. Review status: no assertion criteria provided. Collection method: research. Allele origin: somatic. Observed: 1 variant allele.
Comment: clinical data

NM_000222.3(KIT):c.1681G>A (p.Glu561Lys)

Gene: KIT (KIT proto-oncogene, receptor tyrosine kinase; plus strand). Cytogenetic location: 4q12.
Variant type: single nucleotide variant.
Coding change: c.1681G>A on transcript NM_000222.3 (MANE Select); coding-DNA position 1681, G replaced by A.
Protein change: p.Glu561Lys; replaces glutamic acid 561 with lysine.
Molecular consequence: missense variant.
Genome position (GRCh38, 1-based): chr4:54,727,449, G>A. VCF-style: chr4-54727449-G-A. GRCh37 (hg19) VCF-style: chr4-55593615-G-A.
Other names: c.1669G>A, p.Glu557Lys (NM_001093772.2, NM_001385286.1); c.1684G>A, p.Glu562Lys (NM_001385284.1, NM_001385290.1); c.1681G>A, p.Glu561Lys (NM_001385285.1); c.1672G>A, p.Glu558Lys (NM_001385288.1, NM_001385292.1); short protein forms E561K, E557K, E558K, E562K.
Identifiers: ClinVar variation 844563 (VCV000844563.13), dbSNP rs1722307003, ClinGen allele CA356907476.
Genomic context (GRCh38, chr4:54,727,449, plus strand): 5'-GATCTATTTTTCCCTTTCTCCCCACAGAAACCCATGTATGAAGTACAGTGGAAGGTTGTT[G>A]AGGAGATAAATGGAAACAATTATGTTTACATAGACCCAACACAACTTCCTTATGATCACA-3'
Protein context (NP_000213.1, residues 551-571): PMYEVQWKVV[Glu561Lys]EINGNNYVYI